The following is an entry in ClinVar:

NM_005996.4(TBX3):c.658-313C>T

Gene: TBX3 (T-box transcription factor 3; minus strand). Cytogenetic location: 12q24.21.
Variant type: single nucleotide variant.
Coding change: c.658-313C>T on transcript NM_005996.4 (MANE Select); 313 bases into the intron before coding-DNA position 658, C replaced by T.
Molecular consequence: intron variant. On other transcripts: synonymous variant (1).
Genome position (GRCh38, 1-based): chr12:114,679,964, G>A on the plus strand (C>T on the coding strand, the complement: TBX3 is on the minus strand). VCF-style: chr12-114679964-G-A. GRCh37 (hg19) VCF-style: chr12-115117769-G-A.
Other names: c.666C>T, p.Ala222= (NM_016569.4).
Identifiers: ClinVar variation 3040423 (VCV003040423.2), dbSNP rs137958802, ClinGen allele CA6810138.

ClinVar aggregate classification (germline): Likely benign (0 of 4 stars; one submission).

Conditions:
TBX3-related disorder. Also called: TBX3-related condition.

Allele frequency attached by ClinVar (database versions not stated): gnomAD 0.00004; ESP Exome Variant Server 0.00008; TOPMed 0.00008; 1000 Genomes Project 30x 0.00016; 1000 Genomes Project 0.00020.

Submission:

PreventionGenetics, part of Exact Sciences
Classification: Likely benign for TBX3-related condition. Last evaluated: 2021-09-14. Review status: no assertion criteria provided. Collection method: clinical testing. Allele origin: germline.
Comment: This variant is classified as likely benign based on ACMG/AMP sequence variant interpretation guidelines (Richards et al. 2015 PMID: 25741868, with internal and published modifications).